The following is an entry in ClinVar:

NM_000108.5(DLD):c.194T>A (p.Phe65Tyr)

Gene: DLD (dihydrolipoamide dehydrogenase; plus strand). Cytogenetic location: 7q31.1.
Variant type: single nucleotide variant.
Coding change: c.194T>A on transcript NM_000108.5 (MANE Select); coding-DNA position 194, T replaced by A.
Protein change: p.Phe65Tyr; replaces phenylalanine 65 with tyrosine.
Molecular consequence: missense variant. On other transcripts: intron variant (1).
Genome position (GRCh38, 1-based): chr7:107,901,813, T>A. VCF-style: chr7-107901813-T-A. GRCh37 (hg19) VCF-style: chr7-107542258-T-A.
Other names: c.194T>A, p.Phe65Tyr (NM_001289751.1, NM_001289752.1); c.-30-1665T>A (NM_001289750.1); short protein forms F65Y.
Identifiers: ClinVar variation 2721271 (VCV002721271.1), dbSNP rs370683309, ClinGen allele CA4434375.

ClinVar aggregate classification (germline): Uncertain significance (1 of 4 stars; one submission).

Conditions:
Pyruvate dehydrogenase E3 deficiency (DLDD). Also called: MAPLE SYRUP URINE DISEASE, TYPE III; Lipoamide dehydrogenase deficiency, lactic acidosis due to; Lipoamide dehydrogenase deficiency; Dihydrolipoamide Dehydrogenase (E3) Deficiency; DLD DEFICIENCY; E3 DEFICIENCY. Identifiers: Orphanet 2394, Orphanet 765, MedGen C5574660, MONDO:0009529, OMIM 246900.

Allele frequency attached by ClinVar (database versions not stated): TOPMed below 0.00001; gnomAD exomes 0.00001; ExAC 0.00002; ESP Exome Variant Server 0.00008.
gnomAD v4.1: 19 of 1,613,052 alleles (0.0012%); highest among the groups gnomAD compares: Middle Eastern, 0.033%; no homozygotes.

Submission:

Labcorp Genetics (formerly Invitae), Labcorp
Classification: Uncertain significance for Pyruvate dehydrogenase E3 deficiency. Last evaluated: 2024-01-03. Review status: criteria provided, single submitter. Criteria: Invitae Variant Classification Sherloc (09022015). Collection method: clinical testing. Allele origin: germline.
Comment: This sequence change replaces phenylalanine, which is neutral and non-polar, with tyrosine, which is neutral and polar, at codon 65 of the DLD protein (p.Phe65Tyr). This variant is present in population databases (rs370683309, gnomAD 0.002%). This variant has not been reported in the literature in individuals affected with DLD-related conditions. Advanced modeling of protein sequence and biophysical properties (such as structural, functional, and spatial information, amino acid conservation, physicochemical variation, residue mobility, and thermodynamic stability) performed at Invitae indicates that this missense variant is not expected to disrupt DLD protein function with a negative predictive value of 80%. In summary, the available evidence is currently insufficient to determine the role of this variant in disease. Therefore, it has been classified as a Variant of Uncertain Significance.